The following is an entry in ClinVar:

NM_004104.5(FASN):c.4393G>A (p.Gly1465Ser)

Gene: FASN (fatty acid synthase; minus strand). Cytogenetic location: 17q25.3.
Variant type: single nucleotide variant.
Coding change: c.4393G>A on transcript NM_004104.5 (MANE Select); coding-DNA position 4393, G replaced by A.
Protein change: p.Gly1465Ser; replaces glycine 1465 with serine.
Molecular consequence: missense variant.
Genome position (GRCh38, 1-based): chr17:82,085,051, C>T on the plus strand (G>A on the coding strand, the complement: FASN is on the minus strand). VCF-style: chr17-82085051-C-T. GRCh37 (hg19) VCF-style: chr17-80042927-C-T.
Other names: short protein forms G1465S.
Identifiers: ClinVar variation 580713 (VCV000580713.10), dbSNP rs763072807, ClinGen allele CA8852072.

ClinVar aggregate classification (germline): Uncertain significance. Review status: criteria provided, multiple submitters, no conflicts (2 of 4 stars). 2 submissions from 2 submitters: Uncertain significance (2). Last evaluated 2025-01-06.

Conditions:
Epileptic encephalopathy. Identifiers: MedGen C0543888, HP:0200134.

Allele frequency attached by ClinVar (database versions not stated): TOPMed 0.00003; ExAC 0.00007.
gnomAD v4.1: 74 of 1,611,464 alleles (0.0046%); highest among the groups gnomAD compares: Admixed American, 0.012%; no homozygotes.

Submissions (2):

Labcorp Genetics (formerly Invitae), Labcorp
Classification: Uncertain significance for Epileptic encephalopathy. Last evaluated: 2025-01-06. Review status: criteria provided, single submitter. Criteria: Invitae Variant Classification Sherloc (09022015). Collection method: clinical testing. Allele origin: germline.
Comment: This sequence change replaces glycine, which is neutral and non-polar, with serine, which is neutral and polar, at codon 1465 of the FASN protein (p.Gly1465Ser). This variant is present in population databases (rs763072807, gnomAD 0.01%). This variant has not been reported in the literature in individuals affected with FASN-related conditions. ClinVar contains an entry for this variant (Variation ID: 580713). An algorithm developed to predict the effect of missense changes on protein structure and function (PolyPhen-2) suggests that this variant is likely to be tolerated. In summary, the available evidence is currently insufficient to determine the role of this variant in disease. Therefore, it has been classified as a Variant of Uncertain Significance.

Ambry Genetics
Classification: Uncertain significance. Last evaluated: 2021-10-06. Review status: criteria provided, single submitter. Criteria: Ambry Variant Classification Scheme 2023. Collection method: clinical testing. Allele origin: germline.